The following is an entry in ClinVar:

ClinVar aggregate classification (germline): Uncertain significance (1 of 4 stars; one submission).

gnomAD v4.1: 16 of 1,607,990 alleles (0.001%); highest among the groups gnomAD compares: South Asian, 0.0055%; no homozygotes.

Submission:

GeneDx
Classification: Uncertain significance. Last evaluated: 2025-06-19. Review status: criteria provided, single submitter. Criteria: GeneDx Variant Classification Process June 2021. Collection method: clinical testing. Allele origin: germline. Affected: yes.
Comment: In silico analysis suggests that this missense variant does not alter protein structure/function; Has not been previously published as pathogenic or benign to our knowledge

NM_015447.4(CAMSAP1):c.3431C>T (p.Thr1144Met)

Gene: CAMSAP1 (calmodulin regulated spectrin associated protein 1; minus strand). Cytogenetic location: 9q34.3.
Variant type: single nucleotide variant.
Coding change: c.3431C>T on transcript NM_015447.4 (MANE Select); coding-DNA position 3431, C replaced by T.
Protein change: p.Thr1144Met; replaces threonine 1144 with methionine.
Molecular consequence: missense variant.
Genome position (GRCh38, 1-based): chr9:135,821,230, G>A on the plus strand (C>T on the coding strand, the complement: CAMSAP1 is on the minus strand). VCF-style: chr9-135821230-G-A. GRCh37 (hg19) VCF-style: chr9-138713076-G-A.
Other names: c.2597C>T, p.Thr866Met (NM_001411031.1); c.3464C>T, p.Thr1155Met (NM_001437279.1); c.2999C>T, p.Thr1000Met (NM_001437280.1); c.2834C>T, p.Thr945Met (NM_001437281.1); short protein forms T1000M, T1144M, T1155M, T866M, T945M.
Identifiers: ClinVar variation 4538954 (VCV004538954.1).